The following is an entry in ClinVar:

ClinVar aggregate classification (germline): Uncertain significance. Review status: criteria provided, multiple submitters, no conflicts (2 of 4 stars). 3 submissions from 3 submitters: Uncertain significance (3). Last evaluated 2024-03-01.

Conditions:
Glanzmann thrombasthenia. Also called: BLEEDING DISORDER, PLATELET-TYPE, 2; THROMBASTHENIA OF GLANZMANN AND NAEGELI; PLATELET GLYCOPROTEIN IIb-IIIa DEFICIENCY; Thrombasthenia; Glanzmann's thrombasthenia. Identifiers: Orphanet 849, MedGen C0040015, MONDO:0100326.
Inborn genetic diseases. Identifiers: MedGen C0950123, MeSH D030342.

Allele frequency attached by ClinVar (database versions not stated): ExAC 0.00003; ESP Exome Variant Server 0.00008; TOPMed 0.00009.
gnomAD v4.1: 80 of 1,613,976 alleles (0.005%); highest among the groups gnomAD compares: Admixed American, 0.058%; no homozygotes.

Submissions (3):

Labcorp Genetics (formerly Invitae), Labcorp
Classification: Uncertain significance for Glanzmann thrombasthenia. Last evaluated: 2024-03-01. Review status: criteria provided, single submitter. Criteria: Invitae Variant Classification Sherloc (09022015). Collection method: clinical testing. Allele origin: germline.
Comment: This sequence change replaces arginine, which is basic and polar, with glutamine, which is neutral and polar, at codon 988 of the ITGA2B protein (p.Arg988Gln). This variant is present in population databases (rs368536313, gnomAD 0.03%). This variant has not been reported in the literature in individuals affected with ITGA2B-related conditions. ClinVar contains an entry for this variant (Variation ID: 892240). Advanced modeling of protein sequence and biophysical properties (such as structural, functional, and spatial information, amino acid conservation, physicochemical variation, residue mobility, and thermodynamic stability) performed at Invitae indicates that this missense variant is not expected to disrupt ITGA2B protein function with a negative predictive value of 80%. In summary, the available evidence is currently insufficient to determine the role of this variant in disease. Therefore, it has been classified as a Variant of Uncertain Significance.

Ambry Genetics
Classification: Uncertain significance for Inborn genetic diseases. Last evaluated: 2022-12-12. Review status: criteria provided, single submitter. Criteria: Ambry Variant Classification Scheme 2023. Collection method: clinical testing. Allele origin: germline.

Illumina Laboratory Services, Illumina
Classification: Uncertain significance for Glanzmann thrombasthenia 1. Last evaluated: 2018-01-13. Review status: criteria provided, single submitter. Criteria: ICSL Variant Classification Criteria 13 December 2019. Collection method: clinical testing. Allele origin: germline.

NM_000419.5(ITGA2B):c.2963G>A (p.Arg988Gln)

Gene: ITGA2B (integrin subunit alpha 2b; minus strand). Cytogenetic location: 17q21.31.
Variant type: single nucleotide variant.
Coding change: c.2963G>A on transcript NM_000419.5 (MANE Select); coding-DNA position 2963, G replaced by A.
Protein change: p.Arg988Gln; replaces arginine 988 with glutamine.
Molecular consequence: missense variant.
Genome position (GRCh38, 1-based): chr17:44,374,451, C>T on the plus strand (G>A on the coding strand, the complement: ITGA2B is on the minus strand). VCF-style: chr17-44374451-C-T. GRCh37 (hg19) VCF-style: chr17-42451819-C-T.
Other names: short protein forms R988Q.
Identifiers: ClinVar variation 892240 (VCV000892240.8), dbSNP rs368536313, ClinGen allele CA8602499.